The following is an entry in ClinVar:

NM_002471.4(MYH6):c.4405C>A (p.Leu1469Met)

Gene: MYH6 (myosin heavy chain 6; minus strand). Cytogenetic location: 14q11.2.
Variant type: single nucleotide variant.
Coding change: c.4405C>A on transcript NM_002471.4 (MANE Select); coding-DNA position 4405, C replaced by A.
Protein change: p.Leu1469Met; replaces leucine 1469 with methionine.
Molecular consequence: missense variant.
Genome position (GRCh38, 1-based): chr14:23,387,878, G>T on the plus strand (C>A on the coding strand, the complement: MYH6 is on the minus strand). VCF-style: chr14-23387878-G-T. GRCh37 (hg19) VCF-style: chr14-23857087-G-T.
Other names: short protein forms L1469M.
Identifiers: ClinVar variation 2825309 (VCV002825309.3), dbSNP rs2502148496, ClinGen allele CA388997798.

ClinVar aggregate classification (germline): Uncertain significance (1 of 4 stars; one submission).

Conditions:
Hypertrophic cardiomyopathy 14. Identifiers: MedGen C2750467, MONDO:0013197, OMIM 613251.

Submission:

Labcorp Genetics (formerly Invitae), Labcorp
Classification: Uncertain significance for Hypertrophic cardiomyopathy 14. Last evaluated: 2022-12-31. Review status: criteria provided, single submitter. Criteria: Invitae Variant Classification Sherloc (09022015). Collection method: clinical testing. Allele origin: germline.
Comment: In summary, the available evidence is currently insufficient to determine the role of this variant in disease. Therefore, it has been classified as a Variant of Uncertain Significance. Advanced modeling of protein sequence and biophysical properties (such as structural, functional, and spatial information, amino acid conservation, physicochemical variation, residue mobility, and thermodynamic stability) performed at Invitae indicates that this missense variant is expected to disrupt MYH6 protein function. This variant has not been reported in the literature in individuals affected with MYH6-related conditions. This variant is not present in population databases (gnomAD no frequency). This sequence change replaces leucine, which is neutral and non-polar, with methionine, which is neutral and non-polar, at codon 1469 of the MYH6 protein (p.Leu1469Met).